The following is an entry in ClinVar:

NM_014251.3(SLC25A13):c.1147C>T (p.Arg383Cys)

Gene: SLC25A13 (solute carrier family 25 member 13; minus strand). Cytogenetic location: 7q21.3.
Variant type: single nucleotide variant.
Coding change: c.1147C>T on transcript NM_014251.3 (MANE Select); coding-DNA position 1147, C replaced by T.
Protein change: p.Arg383Cys; replaces arginine 383 with cysteine.
Molecular consequence: missense variant. On other transcripts: non-coding transcript variant (1).
Genome position (GRCh38, 1-based): chr7:96,184,307, G>A on the plus strand (C>T on the coding strand, the complement: SLC25A13 is on the minus strand). VCF-style: chr7-96184307-G-A. GRCh37 (hg19) VCF-style: chr7-95813619-G-A.
Other names: c.1150C>T, p.Arg384Cys (NM_001160210.2); short protein forms R383C, R384C.
Identifiers: ClinVar variation 593885 (VCV000593885.8), dbSNP rs983514448, ClinGen allele CA16622027.

ClinVar aggregate classification (germline): Uncertain significance. Review status: criteria provided, multiple submitters, no conflicts (2 of 4 stars). 4 submissions from 4 submitters: Uncertain significance (3). 1 of the submissions does not count toward it. Last evaluated 2024-01-09.

Conditions:
Citrullinemia. Identifiers: Orphanet 187, MedGen C0175683, MONDO:0015991.
Citrin deficiency. Identifiers: Orphanet 247582, MedGen C1997910, MONDO:0016602.

Allele frequency attached by ClinVar (database versions not stated): gnomAD 0.00001; TOPMed 0.00001; gnomAD exomes 0.00002.
gnomAD v4.1: 26 of 1,614,022 alleles (0.0016%); highest among the groups gnomAD compares: Middle Eastern, 0.016%; no homozygotes.

Submissions (4):

Clinical Genetics Laboratory, Skane University Hospital Lund
Classification: Uncertain significance. Last evaluated: 2024-01-09. Review status: criteria provided, single submitter. Criteria: ACMG Guidelines, 2015. Collection method: clinical testing. Allele origin: germline. Affected: yes.

Labcorp Genetics (formerly Invitae), Labcorp
Classification: Uncertain significance for Citrin deficiency. Last evaluated: 2021-08-31. Review status: criteria provided, single submitter. Criteria: Invitae Variant Classification Sherloc (09022015). Collection method: clinical testing. Allele origin: germline.
Comment: This sequence change replaces arginine with cysteine at codon 383 of the SLC25A13 protein (p.Arg383Cys). The arginine residue is highly conserved and there is a large physicochemical difference between arginine and cysteine. This variant is not present in population databases (ExAC no frequency). This variant has not been reported in the literature in individuals affected with SLC25A13-related conditions. ClinVar contains an entry for this variant (Variation ID: 593885). Algorithms developed to predict the effect of missense changes on protein structure and function (SIFT, PolyPhen-2, Align-GVGD) all suggest that this variant is likely to be disruptive. In summary, the available evidence is currently insufficient to determine the role of this variant in disease. Therefore, it has been classified as a Variant of Uncertain Significance.

Eurofins Ntd Llc (ga)
Classification: Uncertain significance. Last evaluated: 2017-09-18. Review status: criteria provided, single submitter. Criteria: EGL Classification Definitions 2015. Collection method: clinical testing. Allele origin: germline. Observed: 1 variant allele, 1 heterozygote.

Natera, Inc.
Classification: Uncertain significance for Citrullinemia. Last evaluated: 2019-11-11. Review status: no assertion criteria provided. Collection method: clinical testing. Allele origin: germline. Not counted in ClinVar's aggregate classification.